The following is an entry in ClinVar:

ClinVar aggregate classification (germline): Uncertain significance (1 of 4 stars; one submission).

Submission:

CeGaT Center for Human Genetics Tuebingen
Classification: Uncertain significance. Last evaluated: 2024-02-01. Review status: criteria provided, single submitter. Criteria: CeGaT Center For Human Genetics Tuebingen Variant Classification Criteria Version 2. Collection method: clinical testing. Allele origin: germline. Affected: yes. Observed: 1 variant allele.
Comment: MAGEL2: PM2

NM_019066.5(MAGEL2):c.886G>C (p.Ala296Pro)

Gene: MAGEL2 (MAGE family member L2; minus strand). Cytogenetic location: 15q11.2.
Variant type: single nucleotide variant.
Coding change: c.886G>C on transcript NM_019066.5 (MANE Select); coding-DNA position 886, G replaced by C.
Protein change: p.Ala296Pro; replaces alanine 296 with proline.
Molecular consequence: missense variant.
Genome position (GRCh38, 1-based): chr15:23,646,857, C>G on the plus strand (G>C on the coding strand, the complement: MAGEL2 is on the minus strand). VCF-style: chr15-23646857-C-G. GRCh37 (hg19) VCF-style: chr15-23892004-C-G.
Other names: short protein forms A296P.
Identifiers: ClinVar variation 3026180 (VCV003026180.22), dbSNP rs1030339205, ClinGen allele CA267660979.